The following is an entry in ClinVar:

ClinVar aggregate classification (germline): Uncertain significance. Review status: criteria provided, multiple submitters, no conflicts (2 of 4 stars). 2 submissions from 2 submitters: Uncertain significance (2). Last evaluated 2025-07-01.

Conditions:
Cardiovascular phenotype. Identifiers: MedGen CN230736.

gnomAD v4.1: 9 of 1,614,072 alleles (0.00056%); highest among the groups gnomAD compares: Non-Finnish European, 0.00076%; no homozygotes.

Submissions (2):

Ambry Genetics
Classification: Uncertain significance for Cardiovascular phenotype. Last evaluated: 2025-07-01. Review status: criteria provided, single submitter. Criteria: Ambry Variant Classification Scheme 2023. Collection method: clinical testing. Allele origin: germline.
Comment: The p.A187S variant (also known as c.559G>T), located in coding exon 3 of the CBL gene, results from a G to T substitution at nucleotide position 559. The alanine at codon 187 is replaced by serine, an amino acid with similar properties. This amino acid position is conserved. In addition, the in silico prediction for this alteration is inconclusive. Based on the available evidence, the clinical significance of this variant remains unclear.

Blueprint Genetics
Classification: Uncertain significance. Last evaluated: 2021-01-26. Review status: criteria provided, single submitter. Criteria: ACMG Guidelines, 2015. Collection method: clinical testing. Allele origin: germline.

NM_005188.4(CBL):c.559G>T (p.Ala187Ser)

Gene: CBL (Cbl proto-oncogene; plus strand). Cytogenetic location: 11q23.3.
Variant type: single nucleotide variant.
Coding change: c.559G>T on transcript NM_005188.4 (MANE Select); coding-DNA position 559, G replaced by T.
Protein change: p.Ala187Ser; replaces alanine 187 with serine.
Molecular consequence: missense variant.
Genome position (GRCh38, 1-based): chr11:119,271,850, G>T. VCF-style: chr11-119271850-G-T. GRCh37 (hg19) VCF-style: chr11-119142560-G-T.
Other names: short protein forms A187S.
Identifiers: ClinVar variation 4219850 (VCV004219850.2).
Genomic context (GRCh38, chr11:119,271,850, plus strand): 5'-GGAATCTTTCCAAGTGGACTCTTTCAGGGAGACACATTTCGGATTACTAAAGCAGATGCT[G>T]CGGAATTTTGGAGAAAAGCTTTTGGGGAAAAGTAAGTCTCAGAATAATGAATTTGAACTA-3'
Protein context (NP_005179.2, residues 177-197): DTFRITKADA[Ala187Ser]EFWRKAFGEK